The following is an entry in ClinVar:

ClinVar aggregate classification (germline): Conflicting classifications of pathogenicity. Review status: criteria provided, conflicting classifications (1 of 4 stars). 8 submissions from 8 submitters: Uncertain significance (6); Likely benign (1). 1 of the submissions does not count toward it. Last evaluated 2025-02-24.

Conditions:
KCNQ1-related disorder. Also called: KCNQ1-related condition; KCNQ1-related disorders. Identifiers: MedGen CN239322.
Cardiovascular phenotype. Identifiers: MedGen CN230736.
Long QT syndrome (LQTS). Identifiers: MedGen C0023976, MeSH D008133, MONDO:0002442. Disease mechanism: loss of function. Inheritance: Various modes of inheritance.
Cardiac arrhythmia. Also called: Cardiac rhythm disease; Arrhythmia. Identifiers: MedGen C0003811, MONDO:0007263, HP:0011675.
Long QT syndrome 1 (LQT1). Identifiers: Orphanet 101016, Orphanet 768, MedGen C4551647, MONDO:0100316, OMIM 192500, MONDO:0008646.
Jervell and Lange-Nielsen syndrome 1 (JLNS1). Also called: PROLONGED QT INTERVAL IN EKG AND SUDDEN DEATH; SURDO-CARDIAC SYNDROME; CARDIOAUDITORY SYNDROME OF JERVELL AND LANGE-NIELSEN; DEAFNESS, CONGENITAL, AND FUNCTIONAL HEART DISEASE. Identifiers: Orphanet 768, Orphanet 90647, MedGen C4551509, MONDO:0024540, OMIM 220400.
Atrial fibrillation, familial, 3 (ATFB3). Identifiers: MedGen C1837014, MONDO:0011857, OMIM 607554.
Beckwith-Wiedemann syndrome (BWS). Also called: Exomphalos macroglossia gigantism syndrome; EMG SYNDROME. Identifiers: Orphanet 116, MedGen C0004903, MONDO:0007534, OMIM 130650.
Short QT syndrome type 2. Identifiers: Orphanet 51083, MedGen C1865019, MONDO:0012313, OMIM 609621.

Allele frequency attached by ClinVar (database versions not stated): gnomAD exomes 0.00002 and 0.00004; TOPMed 0.00002; ExAC 0.00004.
gnomAD v4.1: 25 of 1,614,222 alleles (0.0015%); highest among the groups gnomAD compares: South Asian, 0.0077%; no homozygotes.

Submissions (8):

Color Diagnostics, LLC DBA Color Health
Classification: Uncertain significance for Cardiac arrhythmia. Last evaluated: 2025-02-24. Review status: criteria provided, single submitter. Criteria: ACMG Guidelines, 2015. Collection method: clinical testing. Allele origin: germline.
Comment: This missense variant replaces alanine with threonine at codon 486 of the KCNQ1 protein. Computational prediction tool is inconclusive regarding the impact of this variant on protein structure and function. To our knowledge, functional studies have not been reported for this variant. This variant has been reported in an individual affected with epilepsy (PMID: 31696929). This variant has been identified in 9/251412 chromosomes in the general population by the Genome Aggregation Database (gnomAD). The available evidence is insufficient to determine the role of this variant in disease conclusively. Therefore, this variant is classified as a Variant of Uncertain Significance.

All of Us Research Program, National Institutes of Health
Classification: Uncertain significance for Long QT syndrome. Last evaluated: 2024-07-29. Review status: criteria provided, single submitter. Criteria: ACMG Guidelines, 2015. Collection method: clinical testing. Allele origin: germline. Inheritance: Autosomal dominant inheritance. Observed: 6 variant alleles, 6 heterozygotes.
Comment: This missense variant replaces alanine with threonine at codon 486 of the KCNQ1 protein. Computational prediction is inconclusive regarding the impact of this variant on protein structure and function (internally defined REVEL score threshold 0.5 < inconclusive < 0.7, PMID: 27666373). To our knowledge, functional studies have not been reported for this variant. This variant has not been reported in individuals affected with cardiovascular disorders in the literature. This variant has been identified in 9/251412 chromosomes in the general population by the Genome Aggregation Database (gnomAD). The available evidence is insufficient to determine the role of this variant in disease conclusively. Therefore, this variant is classified as a Variant of Uncertain Significance.

This study involves interpretation of variants in research participants for the purpose of population health screening. Participant phenotype was not available at the time of variant classification. Additional details can be found in publication PMID: 35346344, PMCID: PMC8962531

Ambry Genetics
Classification: Likely benign for Cardiovascular phenotype. Last evaluated: 2024-05-20. Review status: criteria provided, single submitter. Criteria: Ambry Variant Classification Scheme 2023. Collection method: clinical testing. Allele origin: germline.

Labcorp Genetics (formerly Invitae), Labcorp
Classification: Uncertain significance for Long QT syndrome. Last evaluated: 2024-01-25. Review status: criteria provided, single submitter. Criteria: Invitae Variant Classification Sherloc (09022015). Collection method: clinical testing. Allele origin: germline.
Comment: This sequence change replaces alanine, which is neutral and non-polar, with threonine, which is neutral and polar, at codon 486 of the KCNQ1 protein (p.Ala486Thr). This variant is present in population databases (rs753256800, gnomAD 0.02%). This variant has not been reported in the literature in individuals affected with KCNQ1-related conditions. ClinVar contains an entry for this variant (Variation ID: 925996). Advanced modeling of protein sequence and biophysical properties (such as structural, functional, and spatial information, amino acid conservation, physicochemical variation, residue mobility, and thermodynamic stability) performed at Invitae indicates that this missense variant is not expected to disrupt KCNQ1 protein function with a negative predictive value of 80%. In summary, the available evidence is currently insufficient to determine the role of this variant in disease. Therefore, it has been classified as a Variant of Uncertain Significance.

Fulgent Genetics
Classification: Uncertain significance for Beckwith-Wiedemann syndrome; Long QT syndrome 1; Jervell and Lange-Nielsen syndrome 1; Atrial fibrillation, familial, 3; Short QT syndrome type 2. Last evaluated: 2021-12-03. Review status: criteria provided, single submitter. Criteria: ACMG Guidelines, 2015. Collection method: clinical testing. Allele origin: unknown.

Revvity Omics, Revvity
Classification: Uncertain significance. Last evaluated: 2021-03-05. Review status: criteria provided, single submitter. Criteria: ACMG Guidelines, 2015. Collection method: clinical testing. Allele origin: germline.

GeneDx
Classification: Uncertain significance. Last evaluated: 2019-10-29. Review status: criteria provided, single submitter. Criteria: GeneDx Variant Classification Process June 2021. Collection method: clinical testing. Allele origin: germline. Affected: yes.
Comment: In silico analysis, which includes protein predictors and evolutionary conservation, supports that this variant does not alter protein structure/function; Has not been previously published as pathogenic or benign to our knowledge

PreventionGenetics, part of Exact Sciences
Classification: Uncertain significance for KCNQ1-related condition. Last evaluated: 2024-03-26. Review status: no assertion criteria provided. Collection method: clinical testing. Allele origin: germline. Not counted in ClinVar's aggregate classification.
Comment: The KCNQ1 c.1456G>A variant is predicted to result in the amino acid substitution p.Ala486Thr. To our knowledge, this variant has not been reported in the literature. This variant is reported in 0.020% of alleles in individuals of South Asian descent in gnomAD. At this time, the clinical significance of this variant is uncertain due to the absence of conclusive functional and genetic evidence.

Literature cited by the submitters: PubMed 31696929 (cited by Color Diagnostics, LLC DBA Color Health).

NM_000218.3(KCNQ1):c.1456G>A (p.Ala486Thr)

Genes: KCNQ1 (potassium voltage-gated channel subfamily Q member 1; plus strand), KCNQ1OT1 (KCNQ1 opposite strand/antisense transcript 1; minus strand). Cytogenetic location: 11p15.5.
Variant type: single nucleotide variant.
Coding change: c.1456G>A on transcript NM_000218.3 (MANE Select); coding-DNA position 1456, G replaced by A.
Protein change: p.Ala486Thr; replaces alanine 486 with threonine.
Molecular consequence: missense variant.
Genome position (GRCh38, 1-based): chr11:2,662,023, G>A. VCF-style: chr11-2662023-G-A. GRCh37 (hg19) VCF-style: chr11-2683253-G-A.
Other names: c.1360G>A, p.Ala454Thr (NM_001406836.1); c.1186G>A, p.Ala396Thr (NM_001406837.1); c.916G>A, p.Ala306Thr (NM_001406838.1); c.1075G>A, p.Ala359Thr (NM_181798.2); short protein forms A359T, A486T, A396T, A454T, A306T.
Identifiers: ClinVar variation 925996 (VCV000925996.22), dbSNP rs753256800, ClinGen allele CA029975.